The following is an entry in ClinVar:

ClinVar aggregate classification (germline): Pathogenic (1 of 4 stars; one submission).

Conditions:
Atrial fibrillation, familial, 18 (ATFB18). Identifiers: MedGen C4310636, MONDO:0015001, OMIM 617280.

Submission:

Labcorp Genetics (formerly Invitae), Labcorp
Classification: Pathogenic for Atrial fibrillation, familial, 18. Last evaluated: 2023-04-28. Review status: criteria provided, single submitter. Criteria: Invitae Variant Classification Sherloc (09022015). Collection method: clinical testing. Allele origin: unknown.
Comment: For these reasons, this variant has been classified as Pathogenic. This variant has not been reported in the literature in individuals affected with MYL4-related conditions. This variant is a gross deletion of the genomic region encompassing exon(s) 3 of the MYL4 gene. This deletion is out-of-frame, and is expected to create a premature termination codon and result in an absent or disrupted protein product. Loss-of-function variants in MYL4 are known to be pathogenic (PMID: 25807286, 27742809).

Literature cited by the submitters: PubMed 25807286; PubMed 27742809.

NC_000017.10:g.(?_45291145)_(45291212_?)del

Gene: MYL4 (myosin light chain 4; plus strand). Cytogenetic location: 17q21.32.
Variant type: Deletion.
Identifiers: ClinVar variation 3243111 (VCV003243111.1).